The following is an entry in ClinVar:

ClinVar aggregate classification (germline): Pathogenic (1 of 4 stars; one submission).

Conditions:
Developmental and epileptic encephalopathy, 12 (DEE12). Identifiers: MedGen C3150988, MONDO:0013389, OMIM 613722.

Submission:

Labcorp Genetics (formerly Invitae), Labcorp
Classification: Pathogenic for Developmental and epileptic encephalopathy, 12. Last evaluated: 2025-07-28. Review status: criteria provided, single submitter. Criteria: Invitae Variant Classification Sherloc (09022015). Collection method: clinical testing. Allele origin: germline.
Comment: This sequence change creates a premature translational stop signal (p.Asp283Thrfs*79) in the PNKP gene. It is expected to result in an absent or disrupted protein product. Loss-of-function variants in PNKP are known to be pathogenic (PMID: 20118933, 25728773). This variant is not present in population databases (gnomAD no frequency). This variant has not been reported in the literature in individuals affected with PNKP-related conditions. ClinVar contains an entry for this variant (Variation ID: 1460226). For these reasons, this variant has been classified as Pathogenic.

Literature cited by the submitters: PubMed 20118933; PubMed 25728773.

NM_007254.4(PNKP):c.847del (p.Asp283fs)

Gene: PNKP (polynucleotide kinase 3'-phosphatase; minus strand). Cytogenetic location: 19q13.33.
Variant type: Deletion.
Coding change: c.847del on transcript NM_007254.4 (MANE Select); coding-DNA position 847, one base deleted (G; older notation c.847delG).
Protein change: p.Asp283fs; shifts the reading frame from aspartic acid 283.
Molecular consequence: frameshift variant.
Genome position (GRCh38, 1-based): chr19:49,862,708, C deleted on the plus strand (G on the coding strand, the reverse complement: PNKP is on the minus strand); the first of 4 consecutive C bases (chr19:49,862,708-49,862,711); deleting any one gives the same sequence. VCF-style (leftmost placement, unchanged base first): chr19-49862707-TC-T. GRCh37 (hg19) VCF-style: chr19-50365964-TC-T.
Other names: short protein forms D283fs.
Identifiers: ClinVar variation 1460226 (VCV001460226.6), dbSNP rs2122329109, ClinGen allele CA2573156623.